The following is an entry in ClinVar:

ClinVar aggregate classification (germline): Uncertain significance (1 of 4 stars; one submission).

Conditions:
Hereditary cancer-predisposing syndrome. Also called: Neoplastic Syndromes, Hereditary; Tumor predisposition; Hereditary neoplastic syndrome; Hereditary Cancer Syndrome. Identifiers: Orphanet 140162, MedGen C0027672, MeSH D009386, MONDO:0015356.

Submission:

Ambry Genetics
Classification: Uncertain significance for Hereditary cancer-predisposing syndrome. Last evaluated: 2026-08-23. Review status: criteria provided, single submitter. Criteria: Ambry Variant Classification Scheme 2023. Collection method: clinical testing. Allele origin: germline.
Comment: The c.2436G>A variant (also known as p.L812L), located in coding exon 21 of the POLE gene, results from a G to A substitution at nucleotide position 2436. This nucleotide substitution does not change the leucine at codon 812. This nucleotide position is poorly conserved in available vertebrate species. In silico splice site analysis for this alteration is inconclusive. Based on the available evidence, the clinical significance of this variant remains unclear.

NM_006231.4(POLE):c.2436G>A (p.Leu812=)

Gene: POLE (DNA polymerase epsilon, catalytic subunit; minus strand). Cytogenetic location: 12q24.33.
Variant type: single nucleotide variant.
Coding change: c.2436G>A on transcript NM_006231.4 (MANE Select); coding-DNA position 2436, G replaced by A.
Protein change: p.Leu812=; no amino-acid change (leucine 812 retained).
Molecular consequence: synonymous variant.
Genome position (GRCh38, 1-based): chr12:132,665,334, C>T on the plus strand (G>A on the coding strand, the complement: POLE is on the minus strand). VCF-style: chr12-132665334-C-T. GRCh37 (hg19) VCF-style: chr12-133241920-C-T.
Identifiers: ClinVar variation 5027119 (VCV005027119.1).